The following is an entry in ClinVar:

NM_153676.4(USH1C):c.650T>C (p.Val217Ala)

Gene: USH1C (USH1 protein network component harmonin; minus strand). Cytogenetic location: 11p15.1.
Variant type: single nucleotide variant.
Coding change: c.650T>C on transcript NM_153676.4 (MANE Select); coding-DNA position 650, T replaced by C.
Protein change: p.Val217Ala; replaces valine 217 with alanine.
Molecular consequence: missense variant. On other transcripts: non-coding transcript variant (1).
Genome position (GRCh38, 1-based): chr11:17,526,371, A>G on the plus strand (T>C on the coding strand, the complement: USH1C is on the minus strand). VCF-style: chr11-17526371-A-G. GRCh37 (hg19) VCF-style: chr11-17547918-A-G.
Other names: c.650T>C, p.Val217Ala (NM_001297764.2, NM_005709.4); c.650T>C (NM_005709.3); short protein forms V217A.
Identifiers: ClinVar variation 1950619 (VCV001950619.3), dbSNP rs751387157, ClinGen allele CA218460611.

ClinVar aggregate classification (germline): Uncertain significance. Review status: criteria provided, multiple submitters, no conflicts (2 of 4 stars). 2 submissions from 2 submitters: Uncertain significance (2). Last evaluated 2025-07-15.

Conditions:
Inborn genetic diseases. Identifiers: MedGen C0950123, MeSH D030342.

Submissions (2):

Ambry Genetics
Classification: Uncertain significance for Inborn genetic diseases. Last evaluated: 2025-07-15. Review status: criteria provided, single submitter. Criteria: Ambry Variant Classification Scheme 2023. Collection method: clinical testing. Allele origin: germline.

Labcorp Genetics (formerly Invitae), Labcorp
Classification: Uncertain significance. Last evaluated: 2022-04-09. Review status: criteria provided, single submitter. Criteria: Invitae Variant Classification Sherloc (09022015). Collection method: clinical testing. Allele origin: germline.
Comment: This sequence change replaces valine, which is neutral and non-polar, with alanine, which is neutral and non-polar, at codon 217 of the USH1C protein (p.Val217Ala). This variant is not present in population databases (gnomAD no frequency). This variant has not been reported in the literature in individuals affected with USH1C-related conditions. Algorithms developed to predict the effect of missense changes on protein structure and function (SIFT, PolyPhen-2, Align-GVGD) all suggest that this variant is likely to be tolerated. Algorithms developed to predict the effect of sequence changes on RNA splicing suggest that this variant may disrupt the consensus splice site. In summary, the available evidence is currently insufficient to determine the role of this variant in disease. Therefore, it has been classified as a Variant of Uncertain Significance.